The following is an entry in ClinVar:

ClinVar aggregate classification (germline): Likely benign (1 of 4 stars; one submission).

Submission:

CeGaT Center for Human Genetics Tuebingen
Classification: Likely benign. Last evaluated: 2023-11-01. Review status: criteria provided, single submitter. Criteria: CeGaT Center For Human Genetics Tuebingen Variant Classification Criteria Version 2. Collection method: clinical testing. Allele origin: germline. Affected: yes. Observed: 1 variant allele.
Comment: PPM1D: PM2, PP2, BS2

NM_003620.4(PPM1D):c.194G>A (p.Gly65Glu)

Gene: PPM1D (protein phosphatase, Mg2+/Mn2+ dependent 1D; plus strand). Cytogenetic location: 17q23.2.
Variant type: single nucleotide variant.
Coding change: c.194G>A on transcript NM_003620.4 (MANE Select); coding-DNA position 194, G replaced by A.
Protein change: p.Gly65Glu; replaces glycine 65 with glutamic acid.
Molecular consequence: missense variant.
Genome position (GRCh38, 1-based): chr17:60,600,608, G>A. VCF-style: chr17-60600608-G-A. GRCh37 (hg19) VCF-style: chr17-58677969-G-A.
Other names: short protein forms G65E.
Identifiers: ClinVar variation 2672703 (VCV002672703.23), dbSNP rs2544420945, ClinGen allele CA400453334.